The following is an entry in ClinVar:

ClinVar aggregate classification (germline): Uncertain significance. Review status: criteria provided, multiple submitters, no conflicts (2 of 4 stars). 2 submissions from 2 submitters: Uncertain significance (2). Last evaluated 2024-10-09.

Allele frequency attached by ClinVar (database versions not stated): gnomAD 0.00004; gnomAD exomes 0.00004 and 0.00005; ExAC 0.00005.
gnomAD v4.1: 56 of 1,529,182 alleles (0.0037%); highest among the groups gnomAD compares: Non-Finnish European, 0.0047%; no homozygotes.

Submissions (2):

Ambry Genetics
Classification: Uncertain significance. Last evaluated: 2024-10-09. Review status: criteria provided, single submitter. Criteria: Ambry Variant Classification Scheme 2023. Collection method: clinical testing. Allele origin: germline.

Labcorp Genetics (formerly Invitae), Labcorp
Classification: Uncertain significance. Last evaluated: 2022-08-20. Review status: criteria provided, single submitter. Criteria: Invitae Variant Classification Sherloc (09022015). Collection method: clinical testing. Allele origin: germline.
Comment: This sequence change replaces histidine, which is basic and polar, with glutamine, which is neutral and polar, at codon 1388 of the RUSC2 protein (p.His1388Gln). This variant is present in population databases (rs368436087, gnomAD 0.01%). This variant has not been reported in the literature in individuals affected with RUSC2-related conditions. ClinVar contains an entry for this variant (Variation ID: 1440943). Algorithms developed to predict the effect of missense changes on protein structure and function are either unavailable or do not agree on the potential impact of this missense change (SIFT: "Tolerated"; PolyPhen-2: "Probably Damaging"; Align-GVGD: "Class C0"). In summary, the available evidence is currently insufficient to determine the role of this variant in disease. Therefore, it has been classified as a Variant of Uncertain Significance.

NM_014806.5(RUSC2):c.4164C>A (p.His1388Gln)

Gene: RUSC2 (RUN and SH3 domain containing 2; plus strand). Cytogenetic location: 9p13.3.
Variant type: single nucleotide variant.
Coding change: c.4164C>A on transcript NM_014806.5 (MANE Select); coding-DNA position 4164, C replaced by A.
Protein change: p.His1388Gln; replaces histidine 1388 with glutamine.
Molecular consequence: missense variant. On other transcripts: non-coding transcript variant (1).
Genome position (GRCh38, 1-based): chr9:35,560,804, C>A. VCF-style: chr9-35560804-C-A. GRCh37 (hg19) VCF-style: chr9-35560801-C-A.
Other names: c.4164C>A, p.His1388Gln (NM_001135999.2); c.1530C>A, p.His510Gln (NM_001330740.2); c.4164C>A (NM_001135999.1); short protein forms H510Q, H1388Q.
Identifiers: ClinVar variation 1440943 (VCV001440943.7), dbSNP rs368436087, ClinGen allele CA5044300.